The following is an entry in ClinVar:

NM_004341.5(CAD):c.1012G>A (p.Glu338Lys)

Gene: CAD (carbamoyl-phosphate synthetase 2, aspartate transcarbamylase, and dihydroorotase; plus strand). Cytogenetic location: 2p23.3.
Variant type: single nucleotide variant.
Coding change: c.1012G>A on transcript NM_004341.5 (MANE Select); coding-DNA position 1012, G replaced by A.
Protein change: p.Glu338Lys; replaces glutamic acid 338 with lysine.
Molecular consequence: missense variant.
Genome position (GRCh38, 1-based): chr2:27,223,933, G>A. VCF-style: chr2-27223933-G-A. GRCh37 (hg19) VCF-style: chr2-27446801-G-A.
Other names: c.1012G>A, p.Glu338Lys (NM_001306079.2); short protein forms E338K.
Identifiers: ClinVar variation 1482043 (VCV001482043.6), dbSNP rs2148062364, ClinGen allele CA346202599.

ClinVar aggregate classification (germline): Uncertain significance (1 of 4 stars; one submission).

Submission:

Labcorp Genetics (formerly Invitae), Labcorp
Classification: Uncertain significance. Last evaluated: 2022-06-13. Review status: criteria provided, single submitter. Criteria: Invitae Variant Classification Sherloc (09022015). Collection method: clinical testing. Allele origin: germline.
Comment: This variant is not present in population databases (gnomAD no frequency). This sequence change replaces glutamic acid, which is acidic and polar, with lysine, which is basic and polar, at codon 338 of the CAD protein (p.Glu338Lys). In summary, the available evidence is currently insufficient to determine the role of this variant in disease. Therefore, it has been classified as a Variant of Uncertain Significance. Algorithms developed to predict the effect of missense changes on protein structure and function are either unavailable or do not agree on the potential impact of this missense change (SIFT: "Deleterious"; PolyPhen-2: "Probably Damaging"; Align-GVGD: "Class C0"). This variant has not been reported in the literature in individuals affected with CAD-related conditions.